The following is an entry in ClinVar:

NM_014639.4(SKIC3):c.987C>A (p.Cys329Ter)

Gene: SKIC3 (SKI3 subunit of superkiller complex; minus strand). Cytogenetic location: 5q15.
Variant type: single nucleotide variant.
Coding change: c.987C>A on transcript NM_014639.4 (MANE Select); coding-DNA position 987, C replaced by A.
Protein change: p.Cys329Ter; replaces cysteine 329 with a stop codon.
Molecular consequence: nonsense.
Genome position (GRCh38, 1-based): chr5:95,529,008, G>T on the plus strand (C>A on the coding strand, the complement: SKIC3 is on the minus strand). VCF-style: chr5-95529008-G-T. GRCh37 (hg19) VCF-style: chr5-94864712-G-T.
Other names: short protein forms C329*.
Identifiers: ClinVar variation 2829019 (VCV002829019.3), dbSNP rs773134781, ClinGen allele CA360466137.

ClinVar aggregate classification (germline): Pathogenic (1 of 4 stars; one submission).

Submission:

Labcorp Genetics (formerly Invitae), Labcorp
Classification: Pathogenic. Last evaluated: 2023-03-18. Review status: criteria provided, single submitter. Criteria: Invitae Variant Classification Sherloc (09022015). Collection method: clinical testing. Allele origin: germline.
Comment: This variant is not present in population databases (gnomAD no frequency). For these reasons, this variant has been classified as Pathogenic. This variant has not been reported in the literature in individuals affected with TTC37-related conditions. This sequence change creates a premature translational stop signal (p.Cys329*) in the TTC37 gene. It is expected to result in an absent or disrupted protein product. Loss-of-function variants in TTC37 are known to be pathogenic (PMID: 20176027, 21120949).

Literature cited by the submitters: PubMed 20176027; PubMed 21120949.